The following is an entry in ClinVar:

NM_000292.3(PHKA2):c.1112_1113insG (p.Leu372fs)

Gene: PHKA2 (phosphorylase kinase regulatory subunit alpha 2; minus strand). Cytogenetic location: Xp22.13.
Variant type: Insertion.
Coding change: c.1112_1113insG on transcript NM_000292.3 (MANE Select); coding-DNA positions 1112 to 1113, G inserted.
Protein change: p.Leu372fs; shifts the reading frame from leucine 372.
Molecular consequence: frameshift variant.
Genome position: GRCh38 VCF-style: chrX-18936079-T-TC. GRCh37 (hg19) VCF-style: chrX-18954197-T-TC.
Other names: c.1112_1113insG, p.Leu372fs (NM_001440800.1, NM_001440801.1, NM_001440805.1); c.1013_1014insG, p.Leu339fs (NM_001440802.1, NM_001440803.1, NM_001440804.1); short protein forms L339fs, L372fs.
Identifiers: ClinVar variation 4871736 (VCV004871736.1).

ClinVar aggregate classification (germline): Likely pathogenic (1 of 4 stars; one submission).

Conditions:
Glycogen storage disease IXa1. Also called: LIVER GLYCOGENOSIS, X-LINKED, TYPE I; GLYCOGEN STORAGE DISEASE VIII; GSD VIII; Glycogen storage disease 8. Identifiers: Orphanet 264580, MedGen C3694531, MONDO:0010598, OMIM 306000.

Submission:

Laboratorio de Biologia Molecular - Genetica, Hospital de Pediatria Garrahan
Classification: Likely pathogenic for Glycogen storage disease IXa1. Last evaluated: 2026-05-20. Review status: criteria provided, single submitter. Criteria: ACMG Guidelines, 2015. Collection method: clinical testing. Allele origin: germline. Affected: yes. Observed: 1 variant allele.
Comment: This sequence change creates a premature translational stop signal (p.Leu372Thrfs*7) in the PHKA2 gene. It is expected to result in an absent or disrupted protein product, and loss-of-function variants in PHKA2 are known to be pathogenic (PVS1). This variant is not present in population databases (gnomAD no frequency) (PM2_supporting). This variant has not been reported in the literature in individuals affected with PHKA2-related conditions. For these reasons, this variant has been classified as Likely Pathogenic.